The following is an entry in ClinVar:

NC_000023.11:g.71366318G>A

Gene: TAF1 (TATA-box binding protein associated factor 1; plus strand). Cytogenetic location: Xq13.1.
Variant type: single nucleotide variant.
Genome position: GRCh38 VCF-style: chrX-71366318-G-A. GRCh37 (hg19) VCF-style: chrX-70586168-G-A.
Identifiers: ClinVar variation 3012370 (VCV003012370.3), dbSNP rs2519960566, ClinGen allele CA413502145.

ClinVar aggregate classification (germline): Uncertain significance (1 of 4 stars; one submission).

Submission:

Labcorp Genetics (formerly Invitae), Labcorp
Classification: Uncertain significance. Last evaluated: 2023-11-27. Review status: criteria provided, single submitter. Criteria: Invitae Variant Classification Sherloc (09022015). Collection method: clinical testing. Allele origin: germline.
Comment: This sequence change replaces glycine, which is neutral and non-polar, with arginine, which is basic and polar, at codon 2 of the TAF1 protein (p.Gly2Arg). This variant is not present in population databases (gnomAD no frequency). This variant has not been reported in the literature in individuals affected with TAF1-related conditions. Algorithms developed to predict the effect of missense changes on protein structure and function output the following: SIFT: "Not Available"; PolyPhen-2: "Benign"; Align-GVGD: "Not Available". The arginine amino acid residue is found in multiple mammalian species, which suggests that this missense change does not adversely affect protein function. Algorithms developed to predict the effect of sequence changes on RNA splicing suggest that this variant may create or strengthen a splice site. In summary, the available evidence is currently insufficient to determine the role of this variant in disease. Therefore, it has been classified as a Variant of Uncertain Significance.